The following is an entry in ClinVar:

ClinVar aggregate classification (germline): Likely pathogenic. Review status: reviewed by expert panel (3 of 4 stars). 3 submissions from 3 submitters: Likely pathogenic (1). 2 of the submissions do not count toward it. Last evaluated 2026-10-20.

Conditions:
Metaphyseal chondrodysplasia, McKusick type (CHH). Also called: Cartilage-hair hypoplasia; Cartilage-Hair Hypoplasia (CHH). Identifiers: Orphanet 175, MedGen C0220748, MONDO:0009595, OMIM 250250.
Anauxetic dysplasia. Identifiers: Orphanet 93347, MedGen C1846796, MONDO:0011773.

Allele frequency attached by ClinVar (database versions not stated): TOPMed 0.00002.
gnomAD v4.1: 7 of 700,472 alleles (0.001%); highest among the groups gnomAD compares: South Asian, 0.0044%; no homozygotes.

Submissions (3):

ClinGen Severe Combined Immunodeficiency Variant Curation Expert Panel, ClinGen
Classification: Likely pathogenic for Metaphyseal chondrodysplasia, McKusick type. Last evaluated: 2026-10-20. Review status: reviewed by expert panel. Criteria: ClinGen SCID ACMG Specifications RMRP V1.3. Collection method: curation. Allele origin: germline. Inheritance: Autosomal recessive inheritance.
Comment: The variant NC_000009.12:g.35657872C>G in RMRP is also known as NR_003051.4:n.148G>C, NR_003051.3:n.147G>C, or NR_003051.2:n.146G>C. The Grpmax Filtering allele frequency of this variant in gnomAD v4.1.1 is 0.00001270, which is less than the threshold determined by the SCID VCEP (<0.0000447) (PM2_Supporting). The variant was observed in at least two patients with cartilage-hair hypoplasia. One patient was heterozygous for this variant and a pathogenic variant NC_000009.12:g.35657823G>A (NR_003051.2:n.195C>T), and the other patient was heterozygous for this variant and a pathogenic variant NC_000009.12:g.35657922_35657923dup (NR_003051.3:n.97_98dup) (PMIDs 16244706, 32021596). Both secondary variants were curated by the SCID VCEP (PM3_Strong). One patient with this variant presented with metaphyseal dysplasia, while no immunodeficiency or hematological abnormalities were reported (PMID 16244706) (PP4). A different nucleotide change at the same nucleotide position, NC_000009.12:g.35657872C>T, has been previously classified as likely pathogenic by the SCID VCEP (PS1_Supporting). In summary, this variant is classified as likely pathogenic for autosomal recessive cartilage-hair hypoplasia based on the ACMG/AMP criteria applied, as specified by the ClinGen SCID VCEP: PP4, PM2_Supporting, PM3_Strong, PS1_Supporting. (VCEP specifications version 1.3.0)

Natera, Inc.
Classification: Likely pathogenic for Cartilage-hair hypoplasia. Last evaluated: 2024-11-25. Review status: criteria provided, single submitter. Criteria: Natera Variant Classification Schema (03/2026). Collection method: clinical testing. Allele origin: germline. Not counted in ClinVar's aggregate classification.
Comment: The n.147G>C variant in RMRP is characterized as a single nucleotide variant (SNV). This variant is rare in the general population with a frequency below the threshold expected for the associated phenotype(s). This variant has been observed in one or more individuals affected with the associated recessive disease, as either homozygous or compound heterozygous with a second variant (PMID: 16244706, 32021596). Given the available evidence, this variant is classified as Likely Pathogenic.

Labcorp Genetics (formerly Invitae), Labcorp
Classification: Uncertain significance for Anauxetic dysplasia. Last evaluated: 2023-12-25. Review status: criteria provided, single submitter. Criteria: Invitae Variant Classification Sherloc (09022015). Collection method: clinical testing. Allele origin: germline. Not counted in ClinVar's aggregate classification.
Comment: This variant occurs in the RMRP gene, which encodes an RNA molecule that does not result in a protein product. This variant is present in population databases (rs753874439, gnomAD 0.009%). This variant has been observed in individual(s) with clinical features of cartilage-hair hypoplasia and/or RMRP-related conditions (PMID: 16244706; Invitae). In at least one individual the data is consistent with being in trans (on the opposite chromosome) from a pathogenic variant. This variant is also known as 146G>C. ClinVar contains an entry for this variant (Variation ID: 941203). Experimental studies and prediction algorithms are not available or were not evaluated, and the functional significance of this variant is currently unknown. This variant disrupts the n.147 nucleotide in the RMRP gene. Other variant(s) that disrupt this nucleotide have been determined to be pathogenic (PMID: 12107819, 16244706, 17701897, 18804272). This suggests that this nucleotide is clinically significant, and that variants that disrupt this position are likely to be disease-causing. In summary, the available evidence is currently insufficient to determine the role of this variant in disease. Therefore, it has been classified as a Variant of Uncertain Significance.

Literature cited by the submitters: PubMed 16244706 (cited by Natera, Inc. and Labcorp Genetics (formerly Invitae), Labcorp); PubMed 32021596 (cited by Natera, Inc.); PubMed 12107819 (cited by Labcorp Genetics (formerly Invitae), Labcorp); PubMed 17701897 (cited by Labcorp Genetics (formerly Invitae), Labcorp); PubMed 18804272 (cited by Labcorp Genetics (formerly Invitae), Labcorp).

NR_003051.4(RMRP):n.148G>C

Gene: RMRP (RNA component of mitochondrial RNA processing endoribonuclease; minus strand). Cytogenetic location: 9p13.3.
Variant type: single nucleotide variant.
Genome position: GRCh38 VCF-style: chr9-35657872-C-G. GRCh37 (hg19) VCF-style: chr9-35657869-C-G.
Identifiers: ClinVar variation 941203 (VCV000941203.11), dbSNP rs753874439, ClinGen allele CA5045834.